The following is an entry in ClinVar:

NM_000477.7(ALB):c.1597T>C (p.Phe533Leu)

Gene: ALB (albumin; plus strand). Cytogenetic location: 4q13.3.
Variant type: single nucleotide variant.
Coding change: c.1597T>C on transcript NM_000477.7 (MANE Select); coding-DNA position 1597, T replaced by C.
Protein change: p.Phe533Leu; replaces phenylalanine 533 with leucine.
Molecular consequence: missense variant.
Genome position (GRCh38, 1-based): chr4:73,418,256, T>C. VCF-style: chr4-73418256-T-C. GRCh37 (hg19) VCF-style: chr4-74283973-T-C.
Other names: short protein forms F533L.
Identifiers: ClinVar variation 2188930 (VCV002188930.4), dbSNP rs538903199, ClinGen allele CA2959689.

ClinVar aggregate classification (germline): Uncertain significance (1 of 4 stars; one submission).

Allele frequency attached by ClinVar (database versions not stated): gnomAD 0.00005; gnomAD exomes 0.00006; ExAC 0.00012; 1000 Genomes Project 30x 0.00016; 1000 Genomes Project 0.00020.
gnomAD v4.1: 90 of 1,614,138 alleles (0.0056%); highest among the groups gnomAD compares: South Asian, 0.092%; 1 homozygote.

Submission:

Labcorp Genetics (formerly Invitae), Labcorp
Classification: Uncertain significance. Last evaluated: 2022-09-21. Review status: criteria provided, single submitter. Criteria: Invitae Variant Classification Sherloc (09022015). Collection method: clinical testing. Allele origin: germline.
Comment: In summary, the available evidence is currently insufficient to determine the role of this variant in disease. Therefore, it has been classified as a Variant of Uncertain Significance. Advanced modeling of protein sequence and biophysical properties (such as structural, functional, and spatial information, amino acid conservation, physicochemical variation, residue mobility, and thermodynamic stability) performed at Invitae indicates that this missense variant is not expected to disrupt ALB protein function. This variant has not been reported in the literature in individuals affected with ALB-related conditions. This variant is present in population databases (rs538903199, gnomAD 0.08%). This sequence change replaces phenylalanine, which is neutral and non-polar, with leucine, which is neutral and non-polar, at codon 533 of the ALB protein (p.Phe533Leu).